The following is an entry in ClinVar:

NM_000238.4(KCNH2):c.3072C>T (p.Asn1024=)

Gene: KCNH2 (potassium voltage-gated channel subfamily H member 2; minus strand). Cytogenetic location: 7q36.1.
Variant type: single nucleotide variant.
Coding change: c.3072C>T on transcript NM_000238.4 (MANE Select); coding-DNA position 3072, C replaced by T.
Protein change: p.Asn1024=; no amino-acid change (asparagine 1024 retained).
Molecular consequence: synonymous variant.
Genome position (GRCh38, 1-based): chr7:150,947,408, G>A on the plus strand (C>T on the coding strand, the complement: KCNH2 is on the minus strand). VCF-style: chr7-150947408-G-A. GRCh37 (hg19) VCF-style: chr7-150644496-G-A.
Other names: c.2052C>T, p.Asn684= (NM_172057.3).
Identifiers: ClinVar variation 908853 (VCV000908853.57), dbSNP rs781274793, ClinGen allele CA036489.

ClinVar aggregate classification (germline): Conflicting classifications of pathogenicity. Review status: criteria provided, conflicting classifications (1 of 4 stars). 6 submissions from 6 submitters: Uncertain significance (2); Likely benign (4). Last evaluated 2025-04-17.

Conditions:
Cardiovascular phenotype. Identifiers: MedGen CN230736.
Cardiac arrhythmia. Also called: Arrhythmia; Cardiac rhythm disease. Identifiers: MedGen C0003811, MONDO:0007263, HP:0011675.
Long QT syndrome (LQTS). Identifiers: MedGen C0023976, MeSH D008133, MONDO:0002442. Disease mechanism: loss of function. Inheritance: Various modes of inheritance.
Long QT syndrome 2 (LQT2). Identifiers: Orphanet 101016, Orphanet 768, MedGen C3150943, MONDO:0013367, OMIM 613688.

Allele frequency attached by ClinVar (database versions not stated): gnomAD exomes 0.00001 and 0.00003; TOPMed 0.00001; ExAC 0.00016.
gnomAD v4.1: 19 of 1,548,614 alleles (0.0012%); highest among the groups gnomAD compares: Non-Finnish European, 0.00061%; no homozygotes.

Submissions (6):

Labcorp Genetics (formerly Invitae), Labcorp
Classification: Likely benign for Long QT syndrome. Last evaluated: 2025-04-17. Review status: criteria provided, single submitter. Criteria: Invitae Variant Classification Sherloc (09022015). Collection method: clinical testing. Allele origin: germline.

Ambry Genetics
Classification: Uncertain significance for Cardiovascular phenotype. Last evaluated: 2024-03-11. Review status: criteria provided, single submitter. Criteria: Ambry Variant Classification Scheme 2023. Collection method: clinical testing. Allele origin: germline.
Comment: The c.3072C>T variant (also known as p.N1024N), located in coding exon 13 of the KCNH2 gene, results from a C to T substitution at nucleotide position 3072. This nucleotide substitution does not change the asparagine at codon 1024. This nucleotide position is well conserved in available vertebrate species. In silico splice site analysis for this alteration is inconclusive. Based on the available evidence, the clinical significance of this alteration remains unclear.

All of Us Research Program, National Institutes of Health
Classification: Likely benign for Long QT syndrome. Last evaluated: 2023-11-02. Review status: criteria provided, single submitter. Criteria: ACMG Guidelines, 2015. Collection method: clinical testing. Allele origin: germline. Inheritance: Autosomal dominant inheritance. Observed: 2 variant alleles, 2 heterozygotes.
Comment: This study involves interpretation of variants in research participants for the purpose of population health screening. Participant phenotype was not available at the time of variant classification. Additional details can be found in publication PMID: 35346344, PMCID: PMC8962531

CeGaT Center for Human Genetics Tuebingen
Classification: Likely benign. Last evaluated: 2020-03-01. Review status: criteria provided, single submitter. Criteria: CeGaT Center For Human Genetics Tuebingen Variant Classification Criteria Version 2. Collection method: clinical testing. Allele origin: germline. Affected: yes. Observed: 2 variant alleles.

Color Diagnostics, LLC DBA Color Health
Classification: Likely benign for Arrhythmia. Last evaluated: 2019-07-27. Review status: criteria provided, single submitter. Criteria: ACMG Guidelines, 2015. Collection method: clinical testing. Allele origin: germline.

Illumina Laboratory Services, Illumina
Classification: Uncertain significance for Long QT syndrome 2. Last evaluated: 2018-01-12. Review status: criteria provided, single submitter. Criteria: ICSL Variant Classification Criteria 13 December 2019. Collection method: clinical testing. Allele origin: germline.